The following is an entry in ClinVar:

NM_181458.4(PAX3):c.992del (p.Pro331fs)

Genes: PAX3 (paired box 3; minus strand), LOC126806529 (CDK7 strongly-dependent group 2 enhancer GRCh37_chr2:223084735-223085934; plus strand). Cytogenetic location: 2q36.1.
Variant type: Deletion.
Coding change: c.992del on transcript NM_181458.4 (MANE Select); coding-DNA position 992, one base deleted (C; older notation c.992delC).
Protein change: p.Pro331fs; shifts the reading frame from proline 331.
Molecular consequence: frameshift variant.
Genome position (GRCh38, 1-based): chr2:222,220,321, G deleted on the plus strand (C on the coding strand, the reverse complement: PAX3 is on the minus strand); the first of 2 consecutive G bases (chr2:222,220,321-222,220,322); deleting either gives the same sequence. VCF-style (leftmost placement, unchanged base first): chr2-222220320-AG-A. GRCh37 (hg19) VCF-style: chr2-223085039-AG-A.
Other names: c.989del, p.Pro330fs (NM_001127366.3); c.992del, p.Pro331fs (NM_181457.4, NM_181459.4, NM_181460.4 and 1 more transcripts); short protein forms P330fs, P331fs.
Identifiers: ClinVar variation 3601598 (VCV003601598.1).

ClinVar aggregate classification (germline): Pathogenic (1 of 4 stars; one submission).

Conditions:
Waardenburg syndrome type 1 (WS1). Also called: WAARDENBURG SYNDROME WITH DYSTOPIA CANTHORUM; Waardenburg Syndrome Type I. Identifiers: Orphanet 894, MedGen C1847800, MONDO:0008670, OMIM 193500.

Submission:

Institute of Rare Diseases, West China Hospital, Sichuan University
Classification: Pathogenic for Waardenburg syndrome type 1. Last evaluated: 2025-01-09. Review status: criteria provided, single submitter. Criteria: ClinGen HL ACMG Specifications v1. Collection method: research. Allele origin: germline. Affected: yes.
Comment: PVS1;PP4;PM2_Supporting